The following is an entry in ClinVar:

ClinVar aggregate classification (germline): Uncertain significance (1 of 4 stars; one submission).

gnomAD v4.1: 1 of 1,613,882 alleles (0.000062%); no homozygotes.

Submission:

CeGaT Center for Human Genetics Tuebingen
Classification: Uncertain significance. Last evaluated: 2022-03-01. Review status: criteria provided, single submitter. Criteria: CeGaT Center For Human Genetics Tuebingen Variant Classification Criteria Version 2. Collection method: clinical testing. Allele origin: germline. Affected: yes. Observed: 1 variant allele.
Comment: ANK3: PM2

NM_020987.5(ANK3):c.7000A>G (p.Ile2334Val)

Gene: ANK3 (ankyrin 3; minus strand). Cytogenetic location: 10q21.2.
Variant type: single nucleotide variant.
Coding change: c.7000A>G on transcript NM_020987.5 (MANE Select); coding-DNA position 7000, A replaced by G.
Protein change: p.Ile2334Val; replaces isoleucine 2334 with valine.
Molecular consequence: missense variant. On other transcripts: intron variant (4).
Genome position (GRCh38, 1-based): chr10:60,073,881, T>C on the plus strand (A>G on the coding strand, the complement: ANK3 is on the minus strand). VCF-style: chr10-60073881-T-C. GRCh37 (hg19) VCF-style: chr10-61833639-T-C.
Other names: c.4388-5872A>G (NM_001204403.2); c.4409-5872A>G (NM_001204404.2); c.4406-5872A>G (NM_001320874.2); c.1808-5872A>G (NM_001149.4); short protein forms I2334V.
Identifiers: ClinVar variation 2640491 (VCV002640491.24), dbSNP rs2083253202, ClinGen allele CA377011452.